The following is an entry in ClinVar:

ClinVar aggregate classification (germline): Uncertain significance (1 of 4 stars; one submission).

Conditions:
STT3B-congenital disorder of glycosylation. Also called: STT3B-CDG; CDG Ix; Congenital disorder of glycosylation type 1x. Identifiers: Orphanet 370924, MedGen C2931007, MONDO:0014271, OMIM 615597.

Allele frequency attached by ClinVar (database versions not stated): gnomAD 0.00001; gnomAD exomes 0.00002; ExAC 0.00003; TOPMed 0.00003.
gnomAD v4.1: 27 of 1,594,500 alleles (0.0017%); highest among the groups gnomAD compares: South Asian, 0.0034%; no homozygotes.

Submission:

Labcorp Genetics (formerly Invitae), Labcorp
Classification: Uncertain significance for STT3B-congenital disorder of glycosylation. Last evaluated: 2024-03-11. Review status: criteria provided, single submitter. Criteria: Invitae Variant Classification Sherloc (09022015). Collection method: clinical testing. Allele origin: germline.
Comment: This sequence change replaces asparagine, which is neutral and polar, with serine, which is neutral and polar, at codon 271 of the STT3B protein (p.Asn271Ser). This variant is present in population databases (rs764101279, gnomAD 0.007%). This variant has not been reported in the literature in individuals affected with STT3B-related conditions. ClinVar contains an entry for this variant (Variation ID: 2164557). Advanced modeling of protein sequence and biophysical properties (such as structural, functional, and spatial information, amino acid conservation, physicochemical variation, residue mobility, and thermodynamic stability) performed at Invitae indicates that this missense variant is expected to disrupt STT3B protein function with a positive predictive value of 80%. In summary, the available evidence is currently insufficient to determine the role of this variant in disease. Therefore, it has been classified as a Variant of Uncertain Significance.

NM_178862.3(STT3B):c.812A>G (p.Asn271Ser)

Gene: STT3B (STT3 oligosaccharyltransferase complex catalytic subunit B; plus strand). Cytogenetic location: 3p23.
Variant type: single nucleotide variant.
Coding change: c.812A>G on transcript NM_178862.3 (MANE Select); coding-DNA position 812, A replaced by G.
Protein change: p.Asn271Ser; replaces asparagine 271 with serine.
Molecular consequence: missense variant.
Genome position (GRCh38, 1-based): chr3:31,600,394, A>G. VCF-style: chr3-31600394-A-G. GRCh37 (hg19) VCF-style: chr3-31641886-A-G.
Other names: short protein forms N271S.
Identifiers: ClinVar variation 2164557 (VCV002164557.4), dbSNP rs764101279, ClinGen allele CA2295039.
Genomic context (GRCh38, chr3:31,600,394, plus strand): 5'-TTAACTTAGCACTTCTTTTCCTATAGGTCTCTGCTTGGGGTGGTTATGTATTTATCATCA[A>G]TCTTATTCCACTGCATGTATTTGTGTTGTTACTGATGCAGAGATACAGCAAAAGAGTCTA-3'
Protein context (NP_849193.1, residues 261-281): SAWGGYVFII[Asn271Ser]LIPLHVFVLL